The following is an entry in ClinVar:

NM_001267550.2(TTN):c.12472C>T (p.Gln4158Ter)

Gene: TTN (titin; minus strand). Cytogenetic location: 2q31.2.
Variant type: single nucleotide variant.
Coding change: c.12472C>T on transcript NM_001267550.2 (MANE Select); coding-DNA position 12472, C replaced by T.
Protein change: p.Gln4158Ter; replaces glutamine 4158 with a stop codon.
Molecular consequence: nonsense. On other transcripts: intron variant (1).
Genome position (GRCh38, 1-based): chr2:178,740,761, G>A on the plus strand (C>T on the coding strand, the complement: TTN is on the minus strand). VCF-style: chr2-178740761-G-A. GRCh37 (hg19) VCF-style: chr2-179605488-G-A.
Other names: c.11758C>T, p.Gln3920Ter (NM_133432.3); c.11959C>T, p.Gln3987Ter (NM_133437.4); c.10361-2401C>T (NM_133378.4); c.11521C>T, p.Gln3841Ter (NM_001256850.1); c.11383C>T, p.Gln3795Ter (NM_003319.4); short protein forms Q3920*, Q3841*, Q3795*, Q3987*, Q4158*.
Identifiers: ClinVar variation 1506081 (VCV001506081.6), dbSNP rs745720217, ClinGen allele CA349614975.

ClinVar aggregate classification (germline): Likely pathogenic (1 of 4 stars; one submission).

Conditions:
Dilated cardiomyopathy 1G (CMD1G). Identifiers: Orphanet 154, MedGen C1858763, MONDO:0011400, OMIM 604145.
Autosomal recessive limb-girdle muscular dystrophy type 2J (LGMDR10). Also called: MUSCULAR DYSTROPHY, LIMB-GIRDLE, AUTOSOMAL RECESSIVE 10; Limb-girdle muscular dystrophy, type 2J. Identifiers: Orphanet 140922, MedGen C1837342, MONDO:0012127, OMIM 608807.

Submission:

Labcorp Genetics (formerly Invitae), Labcorp
Classification: Likely pathogenic for Dilated cardiomyopathy 1G; Autosomal recessive limb-girdle muscular dystrophy type 2J. Last evaluated: 2024-10-28. Review status: criteria provided, single submitter. Criteria: Invitae Variant Classification Sherloc (09022015). Collection method: clinical testing. Allele origin: germline.
Comment: This sequence change creates a premature translational stop signal (p.Gln4158*) in the TTN gene. While this is not anticipated to result in nonsense mediated decay, it is expected to create a truncated TTN protein. This variant is not present in population databases (gnomAD no frequency). This variant has not been reported in the literature in individuals affected with TTN-related conditions. ClinVar contains an entry for this variant (Variation ID: 1506081). This variant is located in the I band of TTN (PMID: 25589632). Truncating variants in this region have been reported in individuals affected with autosomal recessive centronuclear myopathy (PMID: 23975875, internal data). Truncating variants in this region have also been identified in individuals affected with autosomal dominant dilated cardiomyopathy and/or cardio-related conditions (PMID: 27869827, 32964742, internal data). In summary, the currently available evidence indicates that the variant is pathogenic, but additional data are needed to prove that conclusively. Therefore, this variant has been classified as Likely Pathogenic.

Literature cited by the submitters: PubMed 25589632; PubMed 23975875; PubMed 27869827; PubMed 32964742.